The following is an entry in ClinVar:

ClinVar aggregate classification (germline): Pathogenic/Likely pathogenic. Review status: criteria provided, multiple submitters, no conflicts (2 of 4 stars). 5 submissions from 5 submitters: Pathogenic (1); Likely pathogenic (2). 2 of the submissions do not count toward it. Last evaluated 2025-10-01.

Conditions:
Carnitine palmitoyl transferase 1A deficiency. Also called: Carnitine palmitoyltransferase 1A deficiency; Carnitine palmitoyltransferase type I deficiency; CPT I DEFICIENCY; CPT DEFICIENCY, HEPATIC, TYPE I; CPT deficiency, hepatic, type IA. Identifiers: Orphanet 156, MedGen C1829703, MONDO:0009705, OMIM 255120.

gnomAD v4.1: 2 of 1,614,144 alleles (0.00012%); highest among the groups gnomAD compares: Non-Finnish European, 0.00017%; no homozygotes.

Submissions (5):

Labcorp Genetics (formerly Invitae), Labcorp
Classification: Pathogenic for Carnitine palmitoyl transferase 1A deficiency. Last evaluated: 2025-10-01. Review status: criteria provided, single submitter. Criteria: Invitae Variant Classification Sherloc (09022015). Collection method: clinical testing. Allele origin: germline.
Comment: This sequence change replaces alanine, which is neutral and non-polar, with valine, which is neutral and non-polar, at codon 414 of the CPT1A protein (p.Ala414Val). This variant is not present in population databases (gnomAD no frequency). This missense change has been observed in individual(s) with carnitine palmitoyltransferase 1A deficiency (PMID: 12189492). In at least one individual the data is consistent with being in trans (on the opposite chromosome) from a pathogenic variant. ClinVar contains an entry for this variant (Variation ID: 9065). Invitae Evidence Modeling of protein sequence and biophysical properties (such as structural, functional, and spatial information, amino acid conservation, physicochemical variation, residue mobility, and thermodynamic stability) indicates that this missense variant is expected to disrupt CPT1A protein function with a positive predictive value of 95%. Experimental studies have shown that this missense change affects CPT1A function (PMID: 14517221). For these reasons, this variant has been classified as Pathogenic.

Fulgent Genetics
Classification: Likely pathogenic for Carnitine palmitoyl transferase 1A deficiency. Last evaluated: 2024-04-30. Review status: criteria provided, single submitter. Criteria: ACMG Guidelines, 2015. Collection method: clinical testing. Allele origin: germline.

Women's Health and Genetics/Laboratory Corporation of America, LabCorp
Classification: Likely pathogenic for Carnitine palmitoyl transferase 1A deficiency. Last evaluated: 2024-04-22. Review status: criteria provided, single submitter. Criteria: LabCorp Variant Classification Summary - May 2015. Collection method: clinical testing. Allele origin: germline.
Comment: Variant summary: CPT1A c.1241C>T (p.Ala414Val) results in a non-conservative amino acid change located in the Choline/carnitine acyltransferase domain (IPR032476) of the encoded protein sequence. Five of five in-silico tools predict a damaging effect of the variant on protein function. The variant was absent in 251492 control chromosomes. c.1241C>T has been reported in the literature in individuals affected with Carnitine Palmitoyltransferase I Deficiency (Gobin_2022). These data do not allow any conclusion about variant significance. At least one publication reports experimental evidence evaluating an impact on protein function. The most pronounced variant effect results in a severe decrease in catalytic activity (Gobin_2023). The following publications have been ascertained in the context of this evaluation (PMID: 12189492, 14517221). ClinVar contains an entry for this variant (Variation ID: 9065). Based on the evidence outlined above, the variant was classified as likely pathogenic.

OMIM
Classification: Pathogenic for CARNITINE PALMITOYLTRANSFERASE IA DEFICIENCY. Last evaluated: 2003-12-12. Review status: no assertion criteria provided. Collection method: literature only. Allele origin: germline. Not counted in ClinVar's aggregate classification.

GeneReviews
No classification provided. Condition: Carnitine palmitoyl transferase 1A deficiency. Review status: no classification provided. Collection method: literature only. Allele origin: germline. Not counted in ClinVar's aggregate classification.

Literature cited by the submitters: PubMed 12189492 (cited by 3 submitters); PubMed 14517221 (cited by 3 submitters); NCBI Bookshelf NBK1527 (cited by GeneReviews).

NM_001876.4(CPT1A):c.1241C>T (p.Ala414Val)

Genes: CPT1A (carnitine palmitoyltransferase 1A; minus strand), LOC126861244 (BRD4-independent group 4 enhancer GRCh37_chr11:68549035-68550234; plus strand). Cytogenetic location: 11q13.3.
Variant type: single nucleotide variant.
Coding change: c.1241C>T on transcript NM_001876.4 (MANE Select); coding-DNA position 1241, C replaced by T.
Protein change: p.Ala414Val; replaces alanine 414 with valine.
Molecular consequence: missense variant.
Genome position (GRCh38, 1-based): chr11:68,781,882, G>A on the plus strand (C>T on the coding strand, the complement: CPT1A is on the minus strand). VCF-style: chr11-68781882-G-A. GRCh37 (hg19) VCF-style: chr11-68549350-G-A.
Other names: c.1241C>T, p.Ala414Val (NM_001031847.3); short protein forms A414V.
Identifiers: ClinVar variation 9065 (VCV000009065.14), dbSNP rs80356790, ClinGen allele CA340854.